The following is an entry in ClinVar:

ClinVar aggregate classification (germline): Likely pathogenic (1 of 4 stars; one submission).

Conditions:
Alstrom syndrome (ALMS). Identifiers: Orphanet 64, MedGen C0268425, MONDO:0008763, OMIM 203800.

Submission:

Natera, Inc.
Classification: Likely pathogenic for Alstrom syndrome. Last evaluated: 2024-05-15. Review status: criteria provided, single submitter. Criteria: Natera Variant Classification Schema (03/2026). Collection method: clinical testing. Allele origin: germline.
Comment: The c.5431_5434del variant in ALMS1 is a frameshift variant predicted to shift the reading frame beginning at codon 1811 and leads to a stop codon 18 codons downstream. This variant is expected to result in nonsense mediated decay, truncation, or a dysfunctional protein product. This variant is rare in the general population with a frequency below the threshold expected for the associated phenotype(s). Given the available evidence, this variant is classified as Likely Pathogenic.

NM_001378454.1(ALMS1):c.5428_5431del (p.Glu1810fs)

Gene: ALMS1 (ALMS1 centrosome and basal body associated protein; plus strand). Cytogenetic location: 2p13.1.
Variant type: Microsatellite.
Coding change: c.5428_5431del on transcript NM_001378454.1 (MANE Select); coding-DNA positions 5428 to 5431, 4 bases deleted (GAGA; older notation c.5428_5431delGAGA).
Protein change: p.Glu1810fs; shifts the reading frame from glutamic acid 1810.
Molecular consequence: frameshift variant.
Genome position (GRCh38, 1-based): chr2:73,451,955-73,451,958, GAGA deleted; deleting any 4 consecutive bases within chr2:73,451,952-73,451,958 gives the same sequence; the c. name uses the placement nearest the transcript's 3' end. VCF-style (leftmost placement, unchanged base first): chr2-73451951-CAGAG-C. GRCh37 (hg19) VCF-style: chr2-73679078-CAGAG-C.
Other names: c.5431_5434del, p.Glu1811fs (NM_015120.4); short protein forms E1810fs, E1811fs.
Identifiers: ClinVar variation 4815791 (VCV004815791.1).
Genomic context (GRCh38, chr2:73,451,951, plus strand): 5'-TCCTGGACCAGCTGACCAGAAGACTGGGGTATCAACAGTAACCTCTACTTCCTACTCACA[CAGAG>C]AGAAGCCCATTGTTTCCTACCAGCGAGAGTTGCCGCATTTTACTGAAGCAGGTTTGAAAA-3'